The following is an entry in ClinVar:

ClinVar aggregate classification (germline): Uncertain significance. Review status: criteria provided, multiple submitters, no conflicts (2 of 4 stars). 6 submissions from 6 submitters: Uncertain significance (6). Last evaluated 2025-04-11.

Conditions:
Inborn genetic diseases. Identifiers: MedGen C0950123, MeSH D030342.
Dystonic disorder. Also called: Dystonia. Identifiers: MedGen C0013421, MONDO:0003441, HP:0001332.
Dopa-responsive dystonia due to sepiapterin reductase deficiency. Also called: SPR DEFICIENCY; Sepiapterin reductase deficiency; DYT-SPR. Identifiers: Orphanet 70594, MedGen C0268468, MONDO:0012994, OMIM 612716.

Allele frequency attached by ClinVar (database versions not stated): ExAC below 0.00001; gnomAD exomes 0.00003; TOPMed 0.00003; gnomAD 0.00006.

Submissions (6):

Ambry Genetics
Classification: Uncertain significance for Inborn genetic diseases. Last evaluated: 2025-04-11. Review status: criteria provided, single submitter. Criteria: Ambry Variant Classification Scheme 2023. Collection method: clinical testing. Allele origin: germline.

GeneDx
Classification: Uncertain significance. Last evaluated: 2024-11-21. Review status: criteria provided, single submitter. Criteria: GeneDx Variant Classification Process June 2021. Collection method: clinical testing. Allele origin: germline. Affected: yes.
Comment: In silico analysis supports that this missense variant has a deleterious effect on protein structure/function; Has not been previously published as pathogenic or benign to our knowledge

Blueprint Genetics
Classification: Uncertain significance. Last evaluated: 2024-09-24. Review status: criteria provided, single submitter. Criteria: ACMG Guidelines, 2015. Collection method: clinical testing. Allele origin: germline.

CeGaT Center for Human Genetics Tuebingen
Classification: Uncertain significance. Last evaluated: 2024-05-01. Review status: criteria provided, single submitter. Criteria: CeGaT Center For Human Genetics Tuebingen Variant Classification Criteria Version 2. Collection method: clinical testing. Allele origin: germline. Affected: yes. Observed: 1 variant allele.

Labcorp Genetics (formerly Invitae), Labcorp
Classification: Uncertain significance for Dystonic disorder. Last evaluated: 2022-08-23. Review status: criteria provided, single submitter. Criteria: Invitae Variant Classification Sherloc (09022015). Collection method: clinical testing. Allele origin: germline.
Comment: This sequence change replaces proline, which is neutral and non-polar, with leucine, which is neutral and non-polar, at codon 89 of the SPR protein (p.Pro89Leu). This variant is present in population databases (rs760997514, gnomAD 0.02%). This variant has not been reported in the literature in individuals affected with SPR-related conditions. ClinVar contains an entry for this variant (Variation ID: 569621). Algorithms developed to predict the effect of missense changes on protein structure and function (SIFT, PolyPhen-2, Align-GVGD) all suggest that this variant is likely to be disruptive. In summary, the available evidence is currently insufficient to determine the role of this variant in disease. Therefore, it has been classified as a Variant of Uncertain Significance.

Department of Pathology and Laboratory Medicine, Sinai Health System
Classification: Uncertain significance for Dopa-responsive dystonia due to sepiapterin reductase deficiency. Last evaluated: 2020-06-19. Review status: criteria provided, single submitter. Criteria: ACMG Guidelines, 2015. Collection method: research. Allele origin: germline.

NM_003124.5(SPR):c.266C>T (p.Pro89Leu)

Gene: SPR (sepiapterin reductase; plus strand). Cytogenetic location: 2p13.2.
Variant type: single nucleotide variant.
Coding change: c.266C>T on transcript NM_003124.5 (MANE Select); coding-DNA position 266, C replaced by T.
Protein change: p.Pro89Leu; replaces proline 89 with leucine.
Molecular consequence: missense variant.
Genome position (GRCh38, 1-based): chr2:72,887,698, C>T. VCF-style: chr2-72887698-C-T. GRCh37 (hg19) VCF-style: chr2-73114827-C-T.
Other names: short protein forms P89L.
Identifiers: ClinVar variation 569621 (VCV000569621.26), dbSNP rs760997514, ClinGen allele CA1708920.
Genomic context (GRCh38, chr2:72,887,698, plus strand): 5'-ACCTGGGCGCCGAGGCCGGCTTGCAGCAGCTGCTCGGCGCCCTGCGCGAGCTCCCCCGGC[C>T]CAAGGGGCTGCAGCGACTGCTGCTTATCAACAACGCGGGTAAGACCCCGGGGCTGGAGCG-3'
Protein context (NP_003115.1, residues 79-99): LLGALRELPR[Pro89Leu]KGLQRLLLIN